The following is an entry in ClinVar:

ClinVar aggregate classification (germline): Pathogenic (1 of 4 stars; one submission).

Conditions:
Dyskeratosis congenita. Identifiers: Orphanet 1775, MedGen C0265965, MONDO:0015780.

Submission:

Labcorp Genetics (formerly Invitae), Labcorp
Classification: Pathogenic for Dyskeratosis congenita. Last evaluated: 2025-02-24. Review status: criteria provided, single submitter. Criteria: Invitae Variant Classification Sherloc (09022015). Collection method: clinical testing. Allele origin: germline.
Comment: This sequence change creates a premature translational stop signal (p.Glu951*) in the CTC1 gene. It is expected to result in an absent or disrupted protein product. Loss-of-function variants in CTC1 are known to be pathogenic (PMID: 22267198, 22387016). This variant is not present in population databases (gnomAD no frequency). This variant has not been reported in the literature in individuals affected with CTC1-related conditions. Algorithms developed to predict the effect of sequence changes on RNA splicing suggest that this variant may disrupt the consensus splice site. For these reasons, this variant has been classified as Pathogenic.

Literature cited by the submitters: PubMed 22267198; PubMed 22387016.

NM_025099.6(CTC1):c.2851G>T (p.Glu951Ter)

Gene: CTC1 (CST telomere replication complex component 1; minus strand). Cytogenetic location: 17p13.1.
Variant type: single nucleotide variant.
Coding change: c.2851G>T on transcript NM_025099.6 (MANE Select); coding-DNA position 2851, G replaced by T.
Protein change: p.Glu951Ter; replaces glutamic acid 951 with a stop codon.
Molecular consequence: nonsense. On other transcripts: non-coding transcript variant (1).
Genome position (GRCh38, 1-based): chr17:8,230,376, C>A on the plus strand (G>T on the coding strand, the complement: CTC1 is on the minus strand). VCF-style: chr17-8230376-C-A. GRCh37 (hg19) VCF-style: chr17-8133694-C-A.
Other names: c.2851G>T, p.Glu951Ter (NM_001411067.1); short protein forms E951*.
Identifiers: ClinVar variation 4712474 (VCV004712474.1).